The following is an entry in ClinVar:

NM_003072.5(SMARCA4):c.140C>A (p.Pro47Gln)

Gene: SMARCA4 (SWI/SNF related BAF chromatin remodeling complex subunit ATPase 4; plus strand). Cytogenetic location: 19p13.2.
Variant type: single nucleotide variant.
Coding change: c.140C>A on transcript NM_003072.5 (MANE Select); coding-DNA position 140, C replaced by A.
Protein change: p.Pro47Gln; replaces proline 47 with glutamine.
Molecular consequence: missense variant. On other transcripts: non-coding transcript variant (1).
Genome position (GRCh38, 1-based): chr19:10,984,291, C>A. VCF-style: chr19-10984291-C-A. GRCh37 (hg19) VCF-style: chr19-11094967-C-A.
Other names: c.140C>A, p.Pro47Gln (NM_001128844.3, NM_001128845.2, NM_001128846.2 and 6 more transcripts); short protein forms P47Q.
Identifiers: ClinVar variation 1771981 (VCV001771981.3), dbSNP rs1284152280, ClinGen allele CA404054435.

ClinVar aggregate classification (germline): Uncertain significance. Review status: criteria provided, multiple submitters, no conflicts (2 of 4 stars). 2 submissions from 2 submitters: Uncertain significance (2). Last evaluated 2025-02-23.

Conditions:
Hereditary cancer-predisposing syndrome. Also called: Hereditary Cancer Syndrome; Hereditary neoplastic syndrome; Neoplastic Syndromes, Hereditary; Tumor predisposition. Identifiers: Orphanet 140162, MedGen C0027672, MeSH D009386, MONDO:0015356.
Rhabdoid tumor predisposition syndrome 2 (RTPS2). Identifiers: Orphanet 231108, Orphanet 69077, MedGen C2750074, MONDO:0013224, OMIM 613325.

Submissions (2):

Labcorp Genetics (formerly Invitae), Labcorp
Classification: Uncertain significance for Rhabdoid tumor predisposition syndrome 2. Last evaluated: 2025-02-23. Review status: criteria provided, single submitter. Criteria: Invitae Variant Classification Sherloc (09022015). Collection method: clinical testing. Allele origin: germline.
Comment: This sequence change replaces proline, which is neutral and non-polar, with glutamine, which is neutral and polar, at codon 47 of the SMARCA4 protein (p.Pro47Gln). This variant is not present in population databases (gnomAD no frequency). This variant has not been reported in the literature in individuals affected with SMARCA4-related conditions. ClinVar contains an entry for this variant (Variation ID: 1771981). Invitae Evidence Modeling of protein sequence and biophysical properties (such as structural, functional, and spatial information, amino acid conservation, physicochemical variation, residue mobility, and thermodynamic stability) indicates that this missense variant is not expected to disrupt SMARCA4 protein function with a negative predictive value of 95%. In summary, the available evidence is currently insufficient to determine the role of this variant in disease. Therefore, it has been classified as a Variant of Uncertain Significance.

Ambry Genetics
Classification: Uncertain significance for Hereditary cancer-predisposing syndrome. Last evaluated: 2022-02-07. Review status: criteria provided, single submitter. Criteria: Ambry Variant Classification Scheme 2023. Collection method: clinical testing. Allele origin: germline.
Comment: The p.P47Q variant (also known as c.140C>A), located in coding exon 1 of the SMARCA4 gene, results from a C to A substitution at nucleotide position 140. The proline at codon 47 is replaced by glutamine, an amino acid with similar properties. This amino acid position is highly conserved in available vertebrate species. In addition, the in silico prediction for this alteration is inconclusive. Since supporting evidence is limited at this time, the clinical significance of this alteration remains unclear.